The following is an entry in ClinVar:

NM_001368809.2(AMPD2):c.1738G>A (p.Glu580Lys)

Gene: AMPD2 (adenosine monophosphate deaminase 2; plus strand). Cytogenetic location: 1p13.3.
Variant type: single nucleotide variant.
Coding change: c.1738G>A on transcript NM_001368809.2 (MANE Select); coding-DNA position 1738, G replaced by A.
Protein change: p.Glu580Lys; replaces glutamic acid 580 with lysine.
Molecular consequence: missense variant.
Genome position (GRCh38, 1-based): chr1:109,629,366, G>A. VCF-style: chr1-109629366-G-A. GRCh37 (hg19) VCF-style: chr1-110171988-G-A.
Other names: c.1546G>A, p.Glu516Lys (NM_001257361.2); c.1675G>A, p.Glu559Lys (NM_001308170.1); c.1738G>A, p.Glu580Lys (NM_004037.9); c.1657G>A, p.Glu553Lys (NM_139156.4); short protein forms E516K, E580K, E553K, E559K.
Identifiers: ClinVar variation 1474820 (VCV001474820.6), dbSNP rs867766720, ClinGen allele CA28697132.
Genomic context (GRCh38, chr1:109,629,366, plus strand): 5'-GACCCCAGGGTTCTGTATTAGGTGGATGGTTTTGACAGCGTGGATGATGAGTCCAAGCCT[G>A]AAAACCATGTCTTCAACCTGGAGAGCCCCCTGCCTGAGGCGTGGGTGGAGGAGGACAACC-3'
Protein context (NP_001355738.1, residues 570-590): FDSVDDESKP[Glu580Lys]NHVFNLESPL

ClinVar aggregate classification (germline): Uncertain significance (1 of 4 stars; one submission).

Conditions:
Pontocerebellar hypoplasia type 9. Identifiers: Orphanet 369920, MedGen C4014354, MONDO:0014351, OMIM 615809.
Hereditary spastic paraplegia 63. Also called: Spastic paraplegia 63, autosomal recessive. Identifiers: Orphanet 401805, MedGen C3810295, MONDO:0014305, OMIM 615686.

Allele frequency attached by ClinVar (database versions not stated): gnomAD exomes below 0.00001.

Submission:

Labcorp Genetics (formerly Invitae), Labcorp
Classification: Uncertain significance for Pontocerebellar hypoplasia type 9; Hereditary spastic paraplegia 63. Last evaluated: 2023-10-13. Review status: criteria provided, single submitter. Criteria: Invitae Variant Classification Sherloc (09022015). Collection method: clinical testing. Allele origin: germline.
Comment: This sequence change replaces glutamic acid, which is acidic and polar, with lysine, which is basic and polar, at codon 634 of the AMPD2 protein (p.Glu634Lys). This variant is not present in population databases (gnomAD no frequency). This variant has not been reported in the literature in individuals affected with AMPD2-related conditions. ClinVar contains an entry for this variant (Variation ID: 1474820). An algorithm developed to predict the effect of missense changes on protein structure and function (PolyPhen-2) suggests that this variant is likely to be disruptive. In summary, the available evidence is currently insufficient to determine the role of this variant in disease. Therefore, it has been classified as a Variant of Uncertain Significance.